The following is an entry in ClinVar:

NM_080632.3(UPF3B):c.470A>G (p.Asp157Gly)

Gene: UPF3B (UPF3B regulator of nonsense mediated mRNA decay; minus strand). Cytogenetic location: Xq24.
Variant type: single nucleotide variant.
Coding change: c.470A>G on transcript NM_080632.3 (MANE Select); coding-DNA position 470, A replaced by G.
Protein change: p.Asp157Gly; replaces aspartic acid 157 with glycine.
Molecular consequence: missense variant.
Genome position (GRCh38, 1-based): chrX:119,843,301, T>C on the plus strand (A>G on the coding strand, the complement: UPF3B is on the minus strand). VCF-style: chrX-119843301-T-C. GRCh37 (hg19) VCF-style: chrX-118977264-T-C.
Other names: c.470A>G, p.Asp157Gly (NM_023010.4); short protein forms D157G.
Identifiers: ClinVar variation 1485374 (VCV001485374.8), dbSNP rs2147790181, ClinGen allele CA414184941.

ClinVar aggregate classification (germline): Uncertain significance (1 of 4 stars; one submission).

Conditions:
Intellectual developmental disorder, X-linked, syndromic 14. Also called: Syndromic X-linked intellectual disability 14. Identifiers: Orphanet 776, MedGen C1970822, MONDO:0010398, OMIM 300676.

Submission:

Labcorp Genetics (formerly Invitae), Labcorp
Classification: Uncertain significance for Intellectual developmental disorder, X-linked, syndromic 14. Last evaluated: 2020-11-16. Review status: criteria provided, single submitter. Criteria: Invitae Variant Classification Sherloc (09022015). Collection method: clinical testing. Allele origin: germline.
Comment: This sequence change replaces aspartic acid with glycine at codon 157 of the UPF3B protein (p.Asp157Gly). The aspartic acid residue is highly conserved and there is a moderate physicochemical difference between aspartic acid and glycine. This variant is not present in population databases (ExAC no frequency). This variant has not been reported in the literature in individuals with UPF3B-related conditions. Algorithms developed to predict the effect of missense changes on protein structure and function are either unavailable or do not agree on the potential impact of this missense change (SIFT: "Deleterious"; PolyPhen-2: "Probably Damaging"; Align-GVGD: "Class C15"). In summary, the available evidence is currently insufficient to determine the role of this variant in disease. Therefore, it has been classified as a Variant of Uncertain Significance.